The following is an entry in ClinVar:

NM_000133.4(F9):c.991G>T (p.Val331Phe)

Gene: F9 (coagulation factor IX; plus strand). Cytogenetic location: Xq27.1.
Variant type: single nucleotide variant.
Coding change: c.991G>T on transcript NM_000133.4 (MANE Select); coding-DNA position 991, G replaced by T.
Protein change: p.Val331Phe; replaces valine 331 with phenylalanine.
Molecular consequence: missense variant.
Genome position (GRCh38, 1-based): chrX:139,561,676, G>T. VCF-style: chrX-139561676-G-T. GRCh37 (hg19) VCF-style: chrX-138643835-G-T.
Other names: c.877G>T, p.Val293Phe (NM_001313913.2); short protein forms V293F, V331F.
Identifiers: ClinVar variation 3768351 (VCV003768351.1).
Genomic context (GRCh38, chrX:139,561,676, plus strand): 5'-AAGTACAACCATGACATTGCCCTTCTGGAACTGGACGAACCCTTAGTGCTAAACAGCTAC[G>T]TTACACCTATTTGCATTGCTGACAAGGAATACACGAACATCTTCCTCAAATTTGGATCTG-3'
Protein context (NP_000124.1, residues 321-341): LDEPLVLNSY[Val331Phe]TPICIADKEY

ClinVar aggregate classification (germline): Uncertain significance (1 of 4 stars; one submission).

Submission:

Women's Health and Genetics/Laboratory Corporation of America, LabCorp
Classification: Uncertain significance. Last evaluated: 2024-12-02. Review status: criteria provided, single submitter. Criteria: LabCorp Variant Classification Summary - May 2015. Collection method: clinical testing. Allele origin: germline.
Comment: Variant summary: F9 c.991G>T (p.Val331Phe) results in a non-conservative amino acid change in the encoded protein sequence. Five of five in-silico tools predict a damaging effect of the variant on protein function. The variant was absent in 183414 control chromosomes (gnomAD). The available data on variant occurrences in the general population are insufficient to allow any conclusion about variant significance. c.991G>T has been reported in the literature in an individuals affected with Factor IX Deficiency (Hemophilia B; Quadros_2009). These data do not allow any conclusion about variant significance. To our knowledge, no experimental evidence demonstrating an impact on protein function has been reported. The following publication has been ascertained in the context of this evaluation (PMID: 19262239). No submitters have cited clinical-significance assessments for this variant to ClinVar. Based on the evidence outlined above, the variant was classified as uncertain significance.

Literature cited by the submitters: PubMed 19262239.